The following is an entry in ClinVar:

NM_001143986.2(TLE6):c.1133del (p.Ala378fs)

Gene: TLE6 (TLE family member 6, subcortical maternal complex member; plus strand). Cytogenetic location: 19p13.3.
Variant type: Deletion.
Coding change: c.1133del on transcript NM_001143986.2 (MANE Select); coding-DNA position 1133, one base deleted (C; older notation c.1133delC).
Protein change: p.Ala378fs; shifts the reading frame from alanine 378.
Molecular consequence: frameshift variant.
Genome position (GRCh38, 1-based): chr19:2,989,674, C deleted. VCF-style (leftmost placement, unchanged base first): chr19-2989673-GC-G. GRCh37 (hg19) VCF-style: chr19-2989671-GC-G.
Other names: c.764del, p.Ala255fs (NM_024760.3); short protein forms A255fs, A378fs.
Identifiers: ClinVar variation 453260 (VCV000453260.10), dbSNP rs776453307, ClinGen allele CA9072971.

ClinVar aggregate classification (germline): Pathogenic/Likely pathogenic. Review status: criteria provided, multiple submitters, no conflicts (2 of 4 stars). 3 submissions from 3 submitters: Pathogenic (1); Likely pathogenic (1). 1 of the submissions does not count toward it. Last evaluated 2025-04-01.

Conditions:
Preimplantation embryonic lethality 1 (OZEMA15). Also called: OOCYTE/ZYGOTE/EMBRYO MATURATION ARREST 15. Identifiers: MedGen C4225197, OMIM 616814, MONDO:0014783.

Allele frequency attached by ClinVar (database versions not stated): gnomAD exomes 0.00002 and 0.00004; TOPMed 0.00002; gnomAD 0.00003; ExAC 0.00005; ESP Exome Variant Server 0.00008.

Submissions (3):

CeGaT Center for Human Genetics Tuebingen
Classification: Likely pathogenic. Last evaluated: 2025-04-01. Review status: criteria provided, single submitter. Criteria: CeGaT Center For Human Genetics Tuebingen Variant Classification Criteria Version 2. Collection method: clinical testing. Allele origin: germline. Affected: yes. Observed: 1 variant allele.
Comment: TLE6: PVS1:Strong, PM2, PM3

Molecular Diagnostics Laboratory, Nadiya Clinic of Reproductive Medicine
Classification: Pathogenic for Preimplantation embryonic lethality 1. Last evaluated: 2017-12-11. Review status: criteria provided, single submitter. Criteria: ACMG Guidelines, 2015. Collection method: clinical testing. Allele origin: germline. Affected: yes. Observed: 1 variant allele, 1 homozygote.
Comment: The deletion NM_001143986.1(TLE6):c.1133delC (p.(Ala378GlufsTer463)) results in a frameshift. The frameshift changes C-terminal sequence of TLE6 protein and creates adjacent premature stop codons at positions 463 and 464 of the new reading frame. Thus, translation of the altered mRNA is predicted to result in the formation of a protein lacking the WD3 and WD4 repeat motifs (due to change in amino acid sequence) and WD5, WD6 and WD7 repeat motifs (due to the introduction of terminating codons). The aforementioned repeat motifs are a part of a highly conservative WD40 repeat domain that is critical for protein function. (PMID:18254933, 12057191) This variant is rare. It has been observed with 0.00007182 frequency in the European (Non-Finnish) population, 0.00006534 frequency in the African population and has not been observed in other populations in gnomAD Exomes (ExAC). The site corresponding to the variant has mean coverage of 77 and median coverage of 82 in gnomAD samples, 98.82% of samples have coverage over 20x. A pathogenic variant TLE6:c.1529C>A (p.Ser510Tyr) in the homozygous state that results in losing a canonical phosphorylation site for PKA and reduced binding to components of the subcortical maternal complex has been observed in 3 women with primary infertility due to preimplantation embryonic lethality 1 (PREMBL1) (PMID: 26537248). Therefore, we consider this variant to be pathogenic.

OMIM
Classification: Pathogenic for OOCYTE/ZYGOTE/EMBRYO MATURATION ARREST 15. Last evaluated: 2026-10-12. Review status: no assertion criteria provided. Collection method: literature only. Allele origin: germline. Not counted in ClinVar's aggregate classification.

Literature cited by the submitters: PubMed 29606347 (cited by OMIM).